The following is an entry in ClinVar:

NC_000023.10:g.(?_119589192)_(119589445_?)dup

Gene: LAMP2 (lysosome associated membrane protein 2; minus strand). Cytogenetic location: Xq24.
Variant type: Duplication.
Identifiers: ClinVar variation 2424391 (VCV002424391.4).

ClinVar aggregate classification (germline): Likely pathogenic (1 of 4 stars; one submission).

Conditions:
Danon disease. Also called: Glycogen Storage Disease Type IIb; ANTOPOL DISEASE; PSEUDOGLYCOGENOSIS II; GSD IIb; LYSOSOMAL GLYCOGEN STORAGE DISEASE WITHOUT ACID MALTASE DEFICIENCY. Identifiers: Orphanet 34587, MedGen C0878677, MONDO:0010281, OMIM 300257.

Submission:

Labcorp Genetics (formerly Invitae), Labcorp
Classification: Likely pathogenic for Danon disease. Last evaluated: 2022-08-27. Review status: criteria provided, single submitter. Criteria: Invitae Variant Classification Sherloc (09022015). Collection method: clinical testing. Allele origin: germline.
Comment: In summary, the currently available evidence indicates that the variant is pathogenic, but additional data are needed to prove that conclusively. Therefore, this variant has been classified as Likely Pathogenic. This variant has not been reported in the literature in individuals affected with LAMP2-related conditions. This variant results in a copy number gain of the genomic region encompassing exon(s) 3 of the LAMP2 gene. While the exact position of this variant cannot be determined from the data, sub-genic copy number gains are generally in tandem (PMID: 25640679). This variant is predicted to be out-of-frame, and may result in an absent or disrupted protein product. Loss-of-function variants in LAMP2 are known to be pathogenic (PMID: 21415759).

Literature cited by the submitters: PubMed 25640679; PubMed 21415759.